The following is an entry in ClinVar:

NM_001064.4(TKT):c.921C>T (p.Pro307=)

Gene: TKT (transketolase; minus strand). Cytogenetic location: 3p21.1.
Variant type: single nucleotide variant.
Coding change: c.921C>T on transcript NM_001064.4 (MANE Select); coding-DNA position 921, C replaced by T.
Protein change: p.Pro307=; no amino-acid change (proline 307 retained).
Molecular consequence: synonymous variant. On other transcripts: non-coding transcript variant (1).
Genome position (GRCh38, 1-based): chr3:53,231,378, G>A on the plus strand (C>T on the coding strand, the complement: TKT is on the minus strand). VCF-style: chr3-53231378-G-A. GRCh37 (hg19) VCF-style: chr3-53265394-G-A.
Other names: c.921C>T, p.Pro307= (NM_001135055.3); c.945C>T, p.Pro315= (NM_001258028.2).
Identifiers: ClinVar variation 5040199 (VCV005040199.1).

ClinVar aggregate classification (germline): Likely benign (1 of 4 stars; one submission).

Submission:

CeGaT Center for Human Genetics Tuebingen
Classification: Likely benign. Last evaluated: 2026-07-01. Review status: criteria provided, single submitter. Criteria: CeGaT Center For Human Genetics Tuebingen Variant Classification Criteria Version 2. Collection method: clinical testing. Allele origin: germline. Affected: yes. Observed: 1 variant allele.
Comment: TKT: PM2:Supporting, BP4, BP7